The following is an entry in ClinVar:

NM_024989.4(PGAP1):c.1994C>G (p.Pro665Arg)

Gene: PGAP1 (post-GPI attachment to proteins inositol deacylase 1; minus strand). Cytogenetic location: 2q33.1.
Variant type: single nucleotide variant.
Coding change: c.1994C>G on transcript NM_024989.4 (MANE Select); coding-DNA position 1994, C replaced by G.
Protein change: p.Pro665Arg; replaces proline 665 with arginine.
Molecular consequence: missense variant.
Genome position (GRCh38, 1-based): chr2:196,847,159, G>C on the plus strand (C>G on the coding strand, the complement: PGAP1 is on the minus strand). VCF-style: chr2-196847159-G-C. GRCh37 (hg19) VCF-style: chr2-197711883-G-C.
Other names: p.Pro665Arg; c.1472C>G, p.Pro491Arg (NM_001321099.2); c.827C>G, p.Pro276Arg (NM_001321100.2); short protein forms P276R, P491R, P665R.
Identifiers: ClinVar variation 4540791 (VCV004540791.1).

ClinVar aggregate classification (germline): Uncertain significance (1 of 4 stars; one submission).

Submission:

Mayo Clinic Laboratories, Mayo Clinic
Classification: Uncertain significance. Last evaluated: 2025-07-22. Review status: criteria provided, single submitter. Criteria: ACMG Guidelines, 2015. Collection method: clinical testing. Allele origin: germline. Observed: 1 variant allele.
Comment: PM2_supporting